The following is an entry in ClinVar:

ClinVar aggregate classification (germline): Uncertain significance. Review status: criteria provided, multiple submitters, no conflicts (2 of 4 stars). 3 submissions from 3 submitters: Uncertain significance (3). Last evaluated 2024-11-07.

Conditions:
Inborn genetic diseases. Identifiers: MedGen C0950123, MeSH D030342.
Jeune thoracic dystrophy. Also called: Jeune syndrome; Infantile thoracic dystrophy; Thoracic pelvic phalangeal dystrophy; Jeune's syndrome; Chondroectodermal dysplasia-like syndrome; Short-rib thoracic dysplasia. Identifiers: Orphanet 474, MedGen C0265275, MONDO:0018770.

Allele frequency attached by ClinVar (database versions not stated): gnomAD exomes below 0.00001; TOPMed 0.00003.
gnomAD v4.1: 4 of 1,611,178 alleles (0.00025%); highest among the groups gnomAD compares: Admixed American, 0.0034%; no homozygotes.

Submissions (3):

GeneDx
Classification: Uncertain significance. Last evaluated: 2024-11-07. Review status: criteria provided, single submitter. Criteria: GeneDx Variant Classification Process June 2021. Collection method: clinical testing. Allele origin: germline. Affected: yes.
Comment: Not observed at significant frequency in large population cohorts (gnomAD); In silico analysis supports that this missense variant has a deleterious effect on protein structure/function; Has not been previously published as pathogenic or benign to our knowledge

Ambry Genetics
Classification: Uncertain significance for Inborn genetic diseases. Last evaluated: 2022-12-01. Review status: criteria provided, single submitter. Criteria: Ambry Variant Classification Scheme 2023. Collection method: clinical testing. Allele origin: germline.

Labcorp Genetics (formerly Invitae), Labcorp
Classification: Uncertain significance for Jeune thoracic dystrophy. Last evaluated: 2022-02-16. Review status: criteria provided, single submitter. Criteria: Invitae Variant Classification Sherloc (09022015). Collection method: clinical testing. Allele origin: germline.
Comment: This sequence change replaces arginine, which is basic and polar, with histidine, which is basic and polar, at codon 1367 of the DYNC2H1 protein (p.Arg1367His). The frequency data for this variant in the population databases is considered unreliable, as metrics indicate poor data quality at this position in the gnomAD database. This variant has not been reported in the literature in individuals affected with DYNC2H1-related conditions. Advanced modeling of protein sequence and biophysical properties (such as structural, functional, and spatial information, amino acid conservation, physicochemical variation, residue mobility, and thermodynamic stability) performed at Invitae indicates that this missense variant is not expected to disrupt DYNC2H1 protein function. In summary, the available evidence is currently insufficient to determine the role of this variant in disease. Therefore, it has been classified as a Variant of Uncertain Significance.

NM_001377.3(DYNC2H1):c.4100G>A (p.Arg1367His)

Gene: DYNC2H1 (dynein cytoplasmic 2 heavy chain 1; plus strand). Cytogenetic location: 11q22.3.
Variant type: single nucleotide variant.
Coding change: c.4100G>A on transcript NM_001377.3 (MANE Select); coding-DNA position 4100, G replaced by A.
Protein change: p.Arg1367His; replaces arginine 1367 with histidine.
Molecular consequence: missense variant.
Genome position (GRCh38, 1-based): chr11:103,156,743, G>A. VCF-style: chr11-103156743-G-A. GRCh37 (hg19) VCF-style: chr11-103027472-G-A.
Other names: c.4100G>A (NM_001080463.1); c.4100G>A, p.Arg1367His (NM_001080463.2); short protein forms R1367H.
Identifiers: ClinVar variation 1484157 (VCV001484157.7), dbSNP rs1482736503, ClinGen allele CA382275840.
Genomic context (GRCh38, chr11:103,156,743, plus strand): 5'-GAAAGTGGGTGTATTTGGAACCCATTTTCGGCCGTGGAGCATTGCCAAAAGAACAGACAC[G>A]CTTCAACAGAGTTGATGAAGATTTTAGGTCAGTACAATGATGTAAGACATAGACACATAT-3'
Protein context (NP_001368.2, residues 1357-1377): GRGALPKEQT[Arg1367His]FNRVDEDFRS